The following is an entry in ClinVar:

ClinVar aggregate classification (germline): Likely pathogenic. Review status: criteria provided, multiple submitters, no conflicts (2 of 4 stars). 2 submissions from 2 submitters: Likely pathogenic (2). Last evaluated 2026-05-26.

Conditions:
Cardiovascular phenotype. Identifiers: MedGen CN230736.
Hypertrophic cardiomyopathy. Also called: HYPERTROPHIC MYOCARDIOPATHY. Identifiers: Orphanet 217569, MedGen C0007194, MeSH D002312, MONDO:0005045, HP:0001639.

Submissions (2):

Ambry Genetics
Classification: Likely pathogenic for Cardiovascular phenotype. Last evaluated: 2026-05-26. Review status: criteria provided, single submitter. Criteria: Ambry Variant Classification Scheme 2023. Collection method: clinical testing. Allele origin: germline.
Comment: The c.1227-39_1263del76 gross deletion includes at least a portion of coding exon 15 and involves the canonical splice acceptor site before coding exon 15 of the MYBPC3 gene. The canonical splice acceptor site is highly conserved in available vertebrate species. In silico splice site analysis predicts that this alteration will abolish the native splice acceptor site; however, the exact impact of this deletion on MYBPC3 splicing and function is currently unknown. Alterations that disrupt the canonical splice site are expected to cause aberrant splicing, resulting in an abnormal protein or a transcript that is subject to nonsense-mediated mRNA decay. As such, this alteration is classified as likely pathogenic.

Labcorp Genetics (formerly Invitae), Labcorp
Classification: Likely pathogenic for Hypertrophic cardiomyopathy. Last evaluated: 2023-03-07. Review status: criteria provided, single submitter. Criteria: Invitae Variant Classification Sherloc (09022015). Collection method: clinical testing. Allele origin: germline.
Comment: Algorithms developed to predict the effect of sequence changes on RNA splicing suggest that this variant may disrupt the consensus splice site. In summary, the currently available evidence indicates that the variant is pathogenic, but additional data are needed to prove that conclusively. Therefore, this variant has been classified as Likely Pathogenic. ClinVar contains an entry for this variant (Variation ID: 1754401). This variant has not been reported in the literature in individuals affected with MYBPC3-related conditions. This variant is not present in population databases (gnomAD no frequency). This variant results in the deletion of part of exon 15 (c.1227-39_1263del) of the MYBPC3 gene. It is expected to disrupt RNA splicing. Variants that disrupt the donor or acceptor splice site typically lead to a loss of protein function (PMID: 16199547), and loss-of-function variants in MYBPC3 are known to be pathogenic (PMID: 19574547).

Literature cited by the submitters: PubMed 16199547 (cited by Labcorp Genetics (formerly Invitae), Labcorp); PubMed 19574547 (cited by Labcorp Genetics (formerly Invitae), Labcorp).

NM_000256.3(MYBPC3):c.1227-39_1263del

Gene: MYBPC3 (myosin binding protein C3; minus strand). Cytogenetic location: 11p11.2.
Variant type: Deletion.
Coding change: c.1227-39_1263del on transcript NM_000256.3 (MANE Select); 39 bases into the intron before coding-DNA position 1227 through coding-DNA position 1263, 76 bases deleted.
Molecular consequence: splice acceptor variant.
Genome position (GRCh38, 1-based): chr11:47,343,109-47,343,184, 76 bases deleted. GRCh37 (hg19): chr11:47,364,660-47,364,735.
Other names: c.1227-39_1263del76 (NM_000256.3).
Identifiers: ClinVar variation 1754401 (VCV001754401.6), dbSNP rs2495764295, ClinGen allele CA2580084278.